The following is an entry in ClinVar:

ClinVar aggregate classification (germline): Uncertain significance. Review status: criteria provided, multiple submitters, no conflicts (2 of 4 stars). 4 submissions from 4 submitters: Uncertain significance (4). Last evaluated 2024-09-12.

Conditions:
Primary ciliary dyskinesia 14. Also called: CILIARY DYSKINESIA, PRIMARY, 14, WITH OR WITHOUT SITUS INVERSUS. Identifiers: Orphanet 244, MedGen C3151136, MONDO:0013434, OMIM 613807.
Primary ciliary dyskinesia. Also called: Ciliary dyskinesia. Identifiers: Orphanet 244, MedGen C0008780, MONDO:0016575, HP:0012265.

Allele frequency attached by ClinVar (database versions not stated): gnomAD exomes 0.00004 and 0.00008; ESP Exome Variant Server 0.00017; gnomAD 0.00005 and 0.00004; ExAC 0.00015; TOPMed 0.00003.
gnomAD v4.1: 57 of 1,454,972 alleles (0.0039%); highest among the groups gnomAD compares: Middle Eastern, 0.052%; no homozygotes.

Submissions (4):

Labcorp Genetics (formerly Invitae), Labcorp
Classification: Uncertain significance for Primary ciliary dyskinesia. Last evaluated: 2024-09-12. Review status: criteria provided, single submitter. Criteria: Invitae Variant Classification Sherloc (09022015). Collection method: clinical testing. Allele origin: germline.
Comment: This sequence change replaces isoleucine, which is neutral and non-polar, with threonine, which is neutral and polar, at codon 764 of the CCDC39 protein (p.Ile764Thr). This variant is present in population databases (rs372308915, gnomAD 0.01%). This variant has not been reported in the literature in individuals affected with CCDC39-related conditions. ClinVar contains an entry for this variant (Variation ID: 902127). An algorithm developed to predict the effect of missense changes on protein structure and function outputs the following: PolyPhen-2: "Benign". The threonine amino acid residue is found in multiple mammalian species, which suggests that this missense change does not adversely affect protein function. In summary, the available evidence is currently insufficient to determine the role of this variant in disease. Therefore, it has been classified as a Variant of Uncertain Significance.

Ambry Genetics
Classification: Uncertain significance for Primary ciliary dyskinesia. Last evaluated: 2024-07-30. Review status: criteria provided, single submitter. Criteria: Ambry Variant Classification Scheme 2023. Collection method: clinical testing. Allele origin: germline.
Comment: The p.I764T variant (also known as c.2291T>C), located in coding exon 17 of the CCDC39 gene, results from a T to C substitution at nucleotide position 2291. The isoleucine at codon 764 is replaced by threonine, an amino acid with similar properties. This amino acid position is conserved. In addition, this alteration is predicted to be tolerated by in silico analysis. Since supporting evidence is limited at this time, the clinical significance of this alteration remains unclear.

Fulgent Genetics
Classification: Uncertain significance for Primary ciliary dyskinesia 14. Last evaluated: 2021-12-12. Review status: criteria provided, single submitter. Criteria: ACMG Guidelines, 2015. Collection method: clinical testing. Allele origin: unknown.

Illumina Laboratory Services, Illumina
Classification: Uncertain significance for Primary ciliary dyskinesia 14. Last evaluated: 2018-01-12. Review status: criteria provided, single submitter. Criteria: ICSL Variant Classification Criteria 13 December 2019. Collection method: clinical testing. Allele origin: germline.

NM_181426.2(CCDC39):c.2291T>C (p.Ile764Thr)

Genes: CCDC39 (coiled-coil domain 39 molecular ruler complex subunit; minus strand), TTC14 (tetratricopeptide repeat domain 14; plus strand). Cytogenetic location: 3q26.33.
Variant type: single nucleotide variant.
Coding change: c.2291T>C on transcript NM_181426.2 (MANE Select); coding-DNA position 2291, T replaced by C.
Protein change: p.Ile764Thr; replaces isoleucine 764 with threonine.
Molecular consequence: missense variant. On other transcripts: intron variant (1).
Genome position (GRCh38, 1-based): chr3:180,616,941, A>G on the plus strand (T>C on the coding strand, the complement: CCDC39 is on the minus strand). VCF-style: chr3-180616941-A-G. GRCh37 (hg19) VCF-style: chr3-180334729-A-G.
Other names: c.1775-439A>G (NM_001288582.2); short protein forms I764T.
Identifiers: ClinVar variation 902127 (VCV000902127.11), dbSNP rs372308915, ClinGen allele CA2715713.